The following is an entry in ClinVar:

NM_015443.4(KANSL1):c.727C>A (p.Gln243Lys)

Gene: KANSL1 (KAT8 regulatory NSL complex subunit 1). Cytogenetic location: 17q21.31.
Variant type: single nucleotide variant.
Coding change: c.727C>A on transcript NM_015443.4 (MANE Select); coding-DNA position 727, C replaced by A.
Protein change: p.Gln243Lys; replaces glutamine 243 with lysine.
Molecular consequence: missense variant.
Genome position (GRCh38, 1-based): chr17:46,171,417, G>T on the plus strand (C>A on the coding strand, the complement: KANSL1 is on the minus strand). VCF-style: chr17-46171417-G-T. GRCh37 (hg19) VCF-style: chr17-44248783-G-T.
Other names: p.Q243K:CAA>AAA; p.Gln243Lys; c.727C>A, p.Gln243Lys (NM_001193465.2, NM_001193466.2, NM_001379198.1); short protein forms Q243K.
Identifiers: ClinVar variation 205776 (VCV000205776.51), dbSNP rs142096969, ClinGen allele CA315178.

ClinVar aggregate classification (germline): Benign/Likely benign. Review status: criteria provided, multiple submitters, no conflicts (2 of 4 stars). 10 submissions from 10 submitters: Benign (4); Likely benign (4). 2 of the submissions do not count toward it. Last evaluated 2025-11-01.

Conditions:
Koolen-de Vries syndrome (KDVS). Identifiers: Orphanet 96169, MedGen C1864871, MONDO:0012496, OMIM 610443.
Inborn genetic diseases. Identifiers: MedGen C0950123, MeSH D030342.

Allele frequency attached by ClinVar (database versions not stated): ExAC 0.00181; 1000 Genomes Project 30x 0.00078; 1000 Genomes Project 0.00080; gnomAD 0.00168 and 0.00174; ESP Exome Variant Server 0.00169.
gnomAD v4.1: 3,652 of 1,612,980 alleles (0.23%); highest among the groups gnomAD compares: Non-Finnish European, 0.27%; 1 homozygote.

Submissions (10):

CeGaT Center for Human Genetics Tuebingen
Classification: Benign. Last evaluated: 2025-11-01. Review status: criteria provided, single submitter. Criteria: CeGaT Center For Human Genetics Tuebingen Variant Classification Criteria Version 2. Collection method: clinical testing. Allele origin: germline. Affected: yes. Observed: 16 variant alleles.
Comment: KANSL1: BP4, BS1, BS2

Labcorp Genetics (formerly Invitae), Labcorp
Classification: Likely benign for Koolen-de Vries syndrome. Last evaluated: 2025-10-13. Review status: criteria provided, single submitter. Criteria: Invitae Variant Classification Sherloc (09022015). Collection method: clinical testing. Allele origin: germline.

Blueprint Genetics
Classification: Likely benign. Last evaluated: 2024-11-27. Review status: criteria provided, single submitter. Criteria: ACMG Guidelines, 2015. Collection method: clinical testing. Allele origin: germline.

Mayo Clinic Laboratories, Mayo Clinic
Classification: Benign. Last evaluated: 2022-09-12. Review status: criteria provided, single submitter. Criteria: ACMG Guidelines, 2015. Collection method: clinical testing. Allele origin: germline. Observed: 2 variant alleles.
Comment: BS1, BS2, BP4

Ambry Genetics
Classification: Likely benign for Inborn genetic diseases. Last evaluated: 2022-03-29. Review status: criteria provided, single submitter. Criteria: Ambry Variant Classification Scheme 2023. Collection method: clinical testing. Allele origin: germline.

GeneDx
Classification: Benign. Last evaluated: 2021-05-03. Review status: criteria provided, single submitter. Criteria: GeneDx Variant Classification Process June 2021. Collection method: clinical testing. Allele origin: germline. Affected: yes.
Comment: Missense variant in a gene in which most reported pathogenic variants are truncating/loss-of-function; In silico analysis supports that this missense variant does not alter protein structure/function; Located in a region that tolerates variation and lacks pathogenic variants

Athena Diagnostics
Classification: Benign. Last evaluated: 2018-06-29. Review status: criteria provided, single submitter. Criteria: Athena Diagnostics Criteria. Collection method: clinical testing. Allele origin: germline.

Breakthrough Genomics
Classification: Likely benign. Review status: criteria provided, single submitter. Criteria: ACMG Guidelines, 2015. Collection method: not provided. Allele origin: germline. Inheritance: Autosomal dominant inheritance. Affected: yes.

Clinical Genetics DNA and cytogenetics Diagnostics Lab, Erasmus MC, Erasmus Medical Center
Classification: Likely benign. Review status: no assertion criteria provided. Collection method: clinical testing. Allele origin: germline. Affected: yes. Study: VKGL Data-share Consensus. Not counted in ClinVar's aggregate classification.

Joint Genome Diagnostic Labs from Nijmegen and Maastricht, Radboudumc and MUMC+
Classification: Benign. Review status: no assertion criteria provided. Collection method: clinical testing. Allele origin: germline. Affected: yes. Study: VKGL Data-share Consensus. Not counted in ClinVar's aggregate classification.